The following is an entry in ClinVar:

NM_015021.3(ZNF292):c.1423G>C (p.Asp475His)

Gene: ZNF292 (zinc finger protein 292; plus strand). Cytogenetic location: 6q14.3.
Variant type: single nucleotide variant.
Coding change: c.1423G>C on transcript NM_015021.3 (MANE Select); coding-DNA position 1423, G replaced by C.
Protein change: p.Asp475His; replaces aspartic acid 475 with histidine.
Molecular consequence: missense variant.
Genome position (GRCh38, 1-based): chr6:87,255,052, G>C. VCF-style: chr6-87255052-G-C. GRCh37 (hg19) VCF-style: chr6-87964770-G-C.
Other names: c.1003G>C, p.Asp335His (NM_001351444.2); short protein forms D335H, D475H.
Identifiers: ClinVar variation 1691550 (VCV001691550.3), dbSNP rs2127857000, ClinGen allele CA364909025.

ClinVar aggregate classification (germline): Uncertain significance (1 of 4 stars; one submission).

Conditions:
Intellectual developmental disorder, autosomal dominant 64. Also called: MENTAL RETARDATION, AUTOSOMAL DOMINANT 64. Identifiers: MedGen C5543067, MONDO:0030934, OMIM 619188.

Submission:

Centre of Medical Genetics, University Hospital Muenster
Classification: Uncertain significance for Intellectual developmental disorder, autosomal dominant 64. Last evaluated: 2022-05-05. Review status: criteria provided, single submitter. Criteria: ACMG Guidelines, 2015. Collection method: clinical testing. Allele origin: unknown. Affected: yes. Observed: 1 variant allele, 1 heterozygote.
Comment: ACMG categories: PM2,PP3,BP1